The following is an entry in ClinVar:

NM_020184.4(CNNM4):c.526C>G (p.Pro176Ala)

Gene: CNNM4 (cyclin and CBS domain divalent metal cation transport mediator 4; plus strand). Cytogenetic location: 2q11.2.
Variant type: single nucleotide variant.
Coding change: c.526C>G on transcript NM_020184.4 (MANE Select); coding-DNA position 526, C replaced by G.
Protein change: p.Pro176Ala; replaces proline 176 with alanine.
Molecular consequence: missense variant.
Genome position (GRCh38, 1-based): chr2:96,761,525, C>G. VCF-style: chr2-96761525-C-G. GRCh37 (hg19) VCF-style: chr2-97427262-C-G.
Other names: short protein forms P176A.
Identifiers: ClinVar variation 2095881 (VCV002095881.4), dbSNP rs1558976503, ClinGen allele CA347714206.

ClinVar aggregate classification (germline): Uncertain significance (1 of 4 stars; one submission).

Allele frequency attached by ClinVar (database versions not stated): TOPMed below 0.00001.

Submission:

Labcorp Genetics (formerly Invitae), Labcorp
Classification: Uncertain significance. Last evaluated: 2022-05-25. Review status: criteria provided, single submitter. Criteria: Invitae Variant Classification Sherloc (09022015). Collection method: clinical testing. Allele origin: germline.
Comment: This sequence change replaces proline, which is neutral and non-polar, with alanine, which is neutral and non-polar, at codon 176 of the CNNM4 protein (p.Pro176Ala). This variant is not present in population databases (gnomAD no frequency). This variant has not been reported in the literature in individuals affected with CNNM4-related conditions. Algorithms developed to predict the effect of missense changes on protein structure and function output the following: SIFT: "Tolerated"; PolyPhen-2: "Benign"; Align-GVGD: "Class C0". The alanine amino acid residue is found in multiple mammalian species, which suggests that this missense change does not adversely affect protein function. In summary, the available evidence is currently insufficient to determine the role of this variant in disease. Therefore, it has been classified as a Variant of Uncertain Significance.